The following is an entry in ClinVar:

NM_005751.5(AKAP9):c.2578A>G (p.Asn860Asp)

Gene: AKAP9 (A-kinase anchoring protein 9; plus strand). Cytogenetic location: 7q21.2.
Variant type: single nucleotide variant.
Coding change: c.2578A>G on transcript NM_005751.5 (MANE Select); coding-DNA position 2578, A replaced by G.
Protein change: p.Asn860Asp; replaces asparagine 860 with aspartic acid.
Molecular consequence: missense variant.
Genome position (GRCh38, 1-based): chr7:92,002,495, A>G. VCF-style: chr7-92002495-A-G. GRCh37 (hg19) VCF-style: chr7-91631809-A-G.
Other names: c.2578A>G, p.Asn860Asp (NM_147185.3); short protein forms N860D.
Identifiers: ClinVar variation 526904 (VCV000526904.10), dbSNP rs754943177, ClinGen allele CA4336160.

ClinVar aggregate classification (germline): Uncertain significance. Review status: criteria provided, multiple submitters, no conflicts (2 of 4 stars). 2 submissions from 2 submitters: Uncertain significance (2). Last evaluated 2022-02-05.

Conditions:
Long QT syndrome (LQTS). Identifiers: MedGen C0023976, MeSH D008133, MONDO:0002442. Disease mechanism: loss of function. Inheritance: Various modes of inheritance.
Cardiovascular phenotype. Identifiers: MedGen CN230736.

Allele frequency attached by ClinVar (database versions not stated): ExAC 0.00001; gnomAD 0.00001; gnomAD exomes below 0.00001; TOPMed 0.00002.
gnomAD v4.1: 3 of 1,611,130 alleles (0.00019%); highest among the groups gnomAD compares: African/African-American, 0.0027%; no homozygotes.

Submissions (2):

Labcorp Genetics (formerly Invitae), Labcorp
Classification: Uncertain significance for Long QT syndrome. Last evaluated: 2022-02-05. Review status: criteria provided, single submitter. Criteria: Invitae Variant Classification Sherloc (09022015). Collection method: clinical testing. Allele origin: germline.
Comment: This sequence change replaces asparagine, which is neutral and polar, with aspartic acid, which is acidic and polar, at codon 860 of the AKAP9 protein (p.Asn860Asp). This variant is present in population databases (rs754943177, gnomAD 0.007%). This variant has not been reported in the literature in individuals affected with AKAP9-related conditions. ClinVar contains an entry for this variant (Variation ID: 526904). Algorithms developed to predict the effect of missense changes on protein structure and function are either unavailable or do not agree on the potential impact of this missense change (SIFT: "Deleterious"; PolyPhen-2: "Probably Damaging"; Align-GVGD: "Class C0"). In summary, the available evidence is currently insufficient to determine the role of this variant in disease. Therefore, it has been classified as a Variant of Uncertain Significance.

Ambry Genetics
Classification: Uncertain significance for Cardiovascular phenotype. Last evaluated: 2019-12-26. Review status: criteria provided, single submitter. Criteria: Ambry Variant Classification Scheme 2023. Collection method: clinical testing. Allele origin: germline.
Comment: The p.N860D variant (also known as c.2578A>G), located in coding exon 8 of the AKAP9 gene, results from an A to G substitution at nucleotide position 2578. The asparagine at codon 860 is replaced by aspartic acid, an amino acid with highly similar properties. This amino acid position is highly conserved in available vertebrate species. In addition, this alteration is predicted to be tolerated by in silico analysis. Since supporting evidence is limited at this time, the clinical significance of this alteration remains unclear.